The following is an entry in ClinVar:

NM_000352.6(ABCC8):c.4204A>G (p.Ile1402Val)

Gene: ABCC8 (ATP binding cassette subfamily C member 8; minus strand). Cytogenetic location: 11p15.1.
Variant type: single nucleotide variant.
Coding change: c.4204A>G on transcript NM_000352.6 (MANE Select); coding-DNA position 4204, A replaced by G.
Protein change: p.Ile1402Val; replaces isoleucine 1402 with valine.
Molecular consequence: missense variant. On other transcripts: non-coding transcript variant (1).
Genome position (GRCh38, 1-based): chr11:17,395,713, T>C on the plus strand (A>G on the coding strand, the complement: ABCC8 is on the minus strand). VCF-style: chr11-17395713-T-C. GRCh37 (hg19) VCF-style: chr11-17417260-T-C.
Other names: c.4207A>G, p.Ile1403Val (NM_001287174.3); c.4270A>G, p.Ile1424Val (NM_001351295.2); c.4204A>G, p.Ile1402Val (NM_001351296.2); c.4201A>G, p.Ile1401Val (NM_001351297.2); short protein forms I1403V, I1424V, I1401V, I1402V.
Identifiers: ClinVar variation 3128904 (VCV003128904.2), dbSNP rs1413089349, ClinGen allele CA379787455.

ClinVar aggregate classification (germline): Uncertain significance (1 of 4 stars; one submission).

Conditions:
Inborn genetic diseases. Identifiers: MedGen C0950123, MeSH D030342.

Allele frequency attached by ClinVar (database versions not stated): TOPMed below 0.00001; gnomAD exomes 0.00002.
gnomAD v4.1: 9 of 1,554,242 alleles (0.00058%); highest among the groups gnomAD compares: Admixed American, 0.0059%; no homozygotes.

Submission:

Ambry Genetics
Classification: Uncertain significance for Inborn genetic diseases. Last evaluated: 2024-06-26. Review status: criteria provided, single submitter. Criteria: Ambry Variant Classification Scheme 2023. Collection method: clinical testing. Allele origin: germline.
Comment: The p.I1402V variant (also known as c.4204A>G), located in coding exon 35 of the ABCC8 gene, results from an A to G substitution at nucleotide position 4204. The isoleucine at codon 1402 is replaced by valine, an amino acid with highly similar properties. This amino acid position is conserved. In addition, the in silico prediction for this alteration is inconclusive. Based on the available evidence, the clinical significance of this variant remains unclear.